The following is an entry in ClinVar:

NM_001374736.1(DST):c.2860-4G>C

Gene: DST (dystonin; minus strand). Cytogenetic location: 6p12.1.
Variant type: single nucleotide variant.
Coding change: c.2860-4G>C on transcript NM_001374736.1 (MANE Select); 4 bases into the intron before coding-DNA position 2860, G replaced by C.
Molecular consequence: intron variant.
Genome position (GRCh38, 1-based): chr6:56,639,367, C>G on the plus strand (G>C on the coding strand, the complement: DST is on the minus strand). VCF-style: chr6-56639367-C-G. GRCh37 (hg19) VCF-style: chr6-56504165-C-G.
Other names: c.2761-4G>C (NM_001144769.5); c.2860-4G>C (NM_001374722.1); c.2887-4G>C (NM_001374734.1); c.2347-4G>C (NM_001144770.2); c.2227-4G>C (NM_001374730.1, NM_001386100.1, NM_183380.4 and 1 more transcripts); c.1249-4G>C (NM_015548.5, NM_001723.7).
Identifiers: ClinVar variation 474507 (VCV000474507.19), dbSNP rs370134977, ClinGen allele CA3871305.

ClinVar aggregate classification (germline): Conflicting classifications of pathogenicity. Review status: criteria provided, conflicting classifications (1 of 4 stars). 4 submissions from 4 submitters: Uncertain significance (2); Likely benign (2). Last evaluated 2026-06-05.

Conditions:
DST-related disorder. Also called: DST-related condition; DST-related disorders.
Inborn genetic diseases. Identifiers: MedGen C0950123, MeSH D030342.
Epidermolysis bullosa simplex 3, localized or generalized intermediate, with BP230 deficiency (EBS3). Also called: Epidermolysis bullosa simplex, autosomal recessive 2; Epidermolysis bullosa simplex due to BP230 deficiency. Identifiers: Orphanet 412181, MedGen C3809470, MONDO:0014180, OMIM 615425.
Hereditary sensory and autonomic neuropathy type 6. Also called: HSAN VI; Neuropathy, hereditary sensory and autonomic, type VI. Identifiers: Orphanet 314381, MedGen C3539003, MONDO:0013839, OMIM 614653.

Allele frequency attached by ClinVar (database versions not stated): gnomAD 0.00005; TOPMed 0.00008; gnomAD exomes 0.00009 and 0.00011; ExAC 0.00012; ESP Exome Variant Server 0.00015.
gnomAD v4.1: 159 of 1,612,196 alleles (0.0099%); highest among the groups gnomAD compares: Non-Finnish European, 0.012%; no homozygotes.

Submissions (4):

PreventionGenetics, part of Exact Sciences
Classification: Likely benign for DST-related condition. Last evaluated: 2026-06-05. Review status: criteria provided, single submitter. Criteria: ACMG Guidelines, 2015. Collection method: clinical testing. Allele origin: germline.
Comment: This variant is classified as likely benign based on ACMG/AMP sequence variant interpretation guidelines (Richards et al. 2015 PMID: 25741868, with internal and published modifications).

Labcorp Genetics (formerly Invitae), Labcorp
Classification: Likely benign for Epidermolysis bullosa simplex 3, localized or generalized intermediate, with BP230 deficiency; Hereditary sensory and autonomic neuropathy type 6. Last evaluated: 2025-12-21. Review status: criteria provided, single submitter. Criteria: Invitae Variant Classification Sherloc (09022015). Collection method: clinical testing. Allele origin: germline.

Ambry Genetics
Classification: Uncertain significance for Inborn genetic diseases. Last evaluated: 2021-06-09. Review status: criteria provided, single submitter. Criteria: Ambry Variant Classification Scheme 2023. Collection method: clinical testing. Allele origin: germline.
Comment: The c.2761-4G>C intronic variant results from a G to C substitution 4 nucleotides upstream from coding exon 21 in the DST gene. This nucleotide position is poorly conserved in available vertebrate species. In silico splice site analysis predicts that this alteration will not have any significant effect on splicing. Since supporting evidence is limited at this time, the clinical significance of this alteration remains unclear.

Blueprint Genetics
Classification: Uncertain significance. Last evaluated: 2020-12-04. Review status: criteria provided, single submitter. Criteria: ACMG Guidelines, 2015. Collection method: clinical testing. Allele origin: germline.